The following is an entry in ClinVar:

NM_001009944.3(PKD1):c.8187G>A (p.Ser2729=)

Gene: PKD1 (polycystin 1, transient receptor potential channel interacting; minus strand). Cytogenetic location: 16p13.3.
Variant type: single nucleotide variant.
Coding change: c.8187G>A on transcript NM_001009944.3 (MANE Select); coding-DNA position 8187, G replaced by A.
Protein change: p.Ser2729=; no amino-acid change (serine 2729 retained).
Molecular consequence: synonymous variant.
Genome position (GRCh38, 1-based): chr16:2,103,870, C>T on the plus strand (G>A on the coding strand, the complement: PKD1 is on the minus strand). VCF-style: chr16-2103870-C-T. GRCh37 (hg19) VCF-style: chr16-2153871-C-T.
Other names: p.Ser2729=; c.8187G>A, p.Ser2729= (NM_000296.4).
Identifiers: ClinVar variation 257015 (VCV000257015.10), dbSNP rs28674911, ClinGen allele CA7830622.

ClinVar aggregate classification (germline): Benign/Likely benign. Review status: criteria provided, multiple submitters, no conflicts (2 of 4 stars). 7 submissions from 7 submitters: Benign (5); Likely benign (1). 1 of the submissions does not count toward it. Last evaluated 2025-04-25.

Conditions:
Autosomal dominant polycystic kidney disease. Identifiers: Orphanet 730, MedGen C0085413, MONDO:0004691.
Polycystic kidney disease. Also called: Kidney, Polycystic; Polycystic kidney dysplasia. Identifiers: MedGen C0022680, MeSH D007690, MONDO:0020642, HP:0000113.

Allele frequency attached by ClinVar (database versions not stated): ESP Exome Variant Server 0.00366; gnomAD 0.00516 and 0.00534; 1000 Genomes Project 30x 0.00781; 1000 Genomes Project 0.00819.
gnomAD v4.1: 1,750 of 1,588,834 alleles (0.11%); highest among the groups gnomAD compares: African/African-American, 1.9%; 22 homozygotes.

Submissions (7):

Women's Health and Genetics/Laboratory Corporation of America, LabCorp
Classification: Likely benign. Last evaluated: 2025-04-25. Review status: criteria provided, single submitter. Criteria: LabCorp Variant Classification Summary - May 2015. Collection method: clinical testing. Allele origin: germline.

Mayo Clinic Laboratories, Mayo Clinic
Classification: Benign. Last evaluated: 2025-01-21. Review status: criteria provided, single submitter. Criteria: ACMG Guidelines, 2015. Collection method: clinical testing. Allele origin: germline. Observed: 6 variant alleles.
Comment: BS1, BS2, BP4, BP7

GeneDx
Classification: Benign. Last evaluated: 2020-04-01. Review status: criteria provided, single submitter. Criteria: GeneDx Variant Classification Process June 2021. Collection method: clinical testing. Allele origin: germline. Affected: yes.
Comment: This variant is associated with the following publications: (PMID: 17574468)

Athena Diagnostics
Classification: Benign. Last evaluated: 2019-09-20. Review status: criteria provided, single submitter. Criteria: Athena Diagnostics Criteria. Collection method: clinical testing. Allele origin: unknown.

Molecular Genetics of Inherited Kidney Disorders Laboratory, Garvan Institute of Medical Research
Classification: Benign for Autosomal dominant polycystic kidney disease. Last evaluated: 2019-01-01. Review status: criteria provided, single submitter. Criteria: ACMG Guidelines, 2015. Collection method: research. Allele origin: germline. Affected: yes.

PreventionGenetics, part of Exact Sciences
Classification: Benign. Review status: criteria provided, single submitter. Criteria: ACMG Guidelines, 2015. Collection method: clinical testing. Allele origin: germline.

Department of Pathology and Laboratory Medicine, Sinai Health System
Classification: Benign for Polycystic Kidney disease. Review status: no assertion criteria provided. Collection method: clinical testing. Allele origin: unknown. Affected: yes. Observed: 1 variant allele. Study: The Canadian Open Genetics Repository (COGR). Not counted in ClinVar's aggregate classification.
Comment: The PKD1 p.Ser2729Ser variant was identified in 2 of 164 proband chromosomes (frequency: 0.012) from individuals or families with ADPKD (Garcia-Gonzalez 2007). This variant was identified in the 1000 Genomes Project in 41 of 5000 chromosomes (frequency: 0.0082), NHLBI GO Exome Sequencing Project in 2 of 8532 European American alleles (frequency: 0.000234412), and 45 of 4324 African American alleles (frequency: 0.010407031), Exome Aggregation Consortium database (August 8, 2016) in 218 (4 homozygous) of 83288 chromosomes (frequency: 0.002617) in the following populations: African in 177 of 6580 chromosomes (frequency: 0.0269), Latino in 11 of 7048 chromosomes (frequency: 0.001561), European (Non-Finnish) in 15 of 45562 chromosomes (frequency: 0.0003292), South Asian in 1 of 13388 chromosomes (frequency: 0.00007469), East Asian in 14 of 5720 (frequency: 0.002448) but was not seen in European (Finnish) and Other populations, increasing the likelihood that this may be a low frequency benign variant in certain populations of origin. In addition we cannot be certain that data from control databases is specific to PKD1 and not from one of the six PKD1 pseudogenes. The variant was also identified in dbSNP (ID: rs28674911) as â€šÃ„ÃºWith Benign alleleâ€šÃ„Ã¹, ClinVar and Clinvitae (benign, by Prevention Genetics), ADPKD Mutation Database (Likely neutral). The p.Ser2729Ser variant is not expected to have clinical significance because it does not result in a change of amino acid and is not located in a known consensus splice site. In addition, in silico or computational prediction software programs (SpliceSiteFinder, MaxEntScan, NNSPLICE, GeneSplicer, and HumanSpliceFinder) do not predict a difference in splicing. In summary, based on the above information, this variant meets our laboratory criteria to be classified as benign.

Literature cited by the submitters: PubMed 17574468 (cited by Athena Diagnostics).